The following is an entry in ClinVar:

NM_000400.4(ERCC2):c.1289A>G (p.Asn430Ser)

Gene: ERCC2 (ERCC excision repair 2, TFIIH core complex helicase subunit; minus strand). Cytogenetic location: 19q13.32.
Variant type: single nucleotide variant.
Coding change: c.1289A>G on transcript NM_000400.4 (MANE Select); coding-DNA position 1289, A replaced by G.
Protein change: p.Asn430Ser; replaces asparagine 430 with serine.
Molecular consequence: missense variant.
Genome position (GRCh38, 1-based): chr19:45,357,648, T>C on the plus strand (A>G on the coding strand, the complement: ERCC2 is on the minus strand). VCF-style: chr19-45357648-T-C. GRCh37 (hg19) VCF-style: chr19-45860906-T-C.
Other names: short protein forms N430S.
Identifiers: ClinVar variation 1769033 (VCV001769033.2), dbSNP rs1215155157, ClinGen allele CA406368005.

ClinVar aggregate classification (germline): Uncertain significance (1 of 4 stars; one submission).

Conditions:
Inborn genetic diseases. Identifiers: MedGen C0950123, MeSH D030342.

Allele frequency attached by ClinVar (database versions not stated): gnomAD exomes below 0.00001; TOPMed below 0.00001; gnomAD 0.00001.
gnomAD v4.1: 4 of 1,613,812 alleles (0.00025%); highest among the groups gnomAD compares: South Asian, 0.0011%; no homozygotes.

Submission:

Ambry Genetics
Classification: Uncertain significance for Inborn genetic diseases. Last evaluated: 2021-10-02. Review status: criteria provided, single submitter. Criteria: Ambry Variant Classification Scheme 2023. Collection method: clinical testing. Allele origin: germline.
Comment: The p.N430S variant (also known as c.1289A>G), located in coding exon 13 of the ERCC2 gene, results from an A to G substitution at nucleotide position 1289. The asparagine at codon 430 is replaced by serine, an amino acid with highly similar properties. This amino acid position is conserved. In addition, this alteration is predicted to be tolerated by in silico analysis. Since supporting evidence is limited at this time, the clinical significance of this alteration remains unclear.